The following is an entry in ClinVar:

ClinVar aggregate classification (germline): Pathogenic (1 of 4 stars; one submission).

Conditions:
Zellweger spectrum disorders (ZS). Also called: Zellweger Spectrum Disorder; Zellweger Spectrum; Zellweger Spectrum Disorder (ZSD); Zellweger syndrome. Identifiers: Orphanet 912, MedGen C0043459, MONDO:0019609.

Submission:

Labcorp Genetics (formerly Invitae), Labcorp
Classification: Pathogenic for Zellweger spectrum disorders. Last evaluated: 2022-07-30. Review status: criteria provided, single submitter. Criteria: Invitae Variant Classification Sherloc (09022015). Collection method: clinical testing. Allele origin: unknown.
Comment: For these reasons, this variant has been classified as Pathogenic. This variant has not been reported in the literature in individuals affected with PEX1-related conditions. This variant is a gross deletion of the genomic region encompassing exon(s) 8-10 of the PEX1 gene. This deletion is out-of-frame, and is expected to create a premature termination codon and result in an absent or disrupted protein product. Loss-of-function variants in PEX1 are known to be pathogenic (PMID: 9398847, 16086329, 16141001, 21031596, 26387595, 31831025).

Literature cited by the submitters: PubMed 9398847; PubMed 16086329; PubMed 16141001; PubMed 21031596; PubMed 26387595; PubMed 31831025.

NC_000007.13:g.(?_92136298)_(92140371_?)del

Gene: PEX1 (peroxisomal biogenesis factor 1; minus strand). Cytogenetic location: 7q21.2.
Variant type: Deletion.
Identifiers: ClinVar variation 3245708 (VCV003245708.1).